The following is an entry in ClinVar:

NM_001374736.1(DST):c.13262G>C (p.Arg4421Pro)

Gene: DST (dystonin; minus strand). Cytogenetic location: 6p12.1.
Variant type: single nucleotide variant.
Coding change: c.13262G>C on transcript NM_001374736.1 (MANE Select); coding-DNA position 13262, G replaced by C.
Protein change: p.Arg4421Pro; replaces arginine 4421 with proline.
Molecular consequence: missense variant.
Genome position (GRCh38, 1-based): chr6:56,573,039, C>G on the plus strand (G>C on the coding strand, the complement: DST is on the minus strand). VCF-style: chr6-56573039-C-G. GRCh37 (hg19) VCF-style: chr6-56437837-C-G.
Other names: c.6905G>C, p.Arg2302Pro (NM_001144769.5); c.6491G>C, p.Arg2164Pro (NM_001144770.2); c.13262G>C, p.Arg4421Pro (NM_001374722.1); c.12629G>C, p.Arg4210Pro (NM_001374729.1); c.6371G>C, p.Arg2124Pro (NM_001374730.1, NM_001386100.1, NM_183380.4); c.13289G>C, p.Arg4430Pro (NM_001374734.1); c.5393G>C, p.Arg1798Pro (NM_015548.5); short protein forms R1798P, R2124P, R2164P, R2302P, R4210P, R4421P, R4430P.
Identifiers: ClinVar variation 1055318 (VCV001055318.9), dbSNP rs373925692, ClinGen allele CA139213206.

ClinVar aggregate classification (germline): Uncertain significance (1 of 4 stars; one submission).

Conditions:
Epidermolysis bullosa simplex 3, localized or generalized intermediate, with BP230 deficiency (EBS3). Also called: Epidermolysis bullosa simplex due to BP230 deficiency; Epidermolysis bullosa simplex, autosomal recessive 2. Identifiers: Orphanet 412181, MedGen C3809470, MONDO:0014180, OMIM 615425.
Hereditary sensory and autonomic neuropathy type 6. Also called: HSAN VI; Neuropathy, hereditary sensory and autonomic, type VI. Identifiers: Orphanet 314381, MedGen C3539003, MONDO:0013839, OMIM 614653.

gnomAD v4.1: 2 of 1,592,096 alleles (0.00013%); highest among the groups gnomAD compares: East Asian, 0.0022%; no homozygotes.

Submission:

Labcorp Genetics (formerly Invitae), Labcorp
Classification: Uncertain significance for Epidermolysis bullosa simplex 3, localized or generalized intermediate, with BP230 deficiency; Hereditary sensory and autonomic neuropathy type 6. Last evaluated: 2022-02-08. Review status: criteria provided, single submitter. Criteria: Invitae Variant Classification Sherloc (09022015). Collection method: clinical testing. Allele origin: germline.
Comment: The DST gene has multiple clinically relevant transcripts. This variant occurs in alternate transcript NM_015548.4, and corresponds to NM_001723.5:c.*42478G>C in the primary transcript. This sequence change replaces arginine, which is basic and polar, with proline, which is neutral and non-polar, at codon 1798 of the DST protein (p.Arg1798Pro). This variant is not present in population databases (gnomAD no frequency). This variant has not been reported in the literature in individuals affected with DST-related conditions. Experimental studies and prediction algorithms are not available or were not evaluated, and the functional significance of this variant is currently unknown. In summary, the available evidence is currently insufficient to determine the role of this variant in disease. Therefore, it has been classified as a Variant of Uncertain Significance.